The following is an entry in ClinVar:

NM_001298.3(CNGA3):c.755A>G (p.Asp252Gly)

Gene: CNGA3 (cyclic nucleotide gated channel subunit alpha 3; plus strand). Cytogenetic location: 2q11.2.
Variant type: single nucleotide variant.
Coding change: c.755A>G on transcript NM_001298.3 (MANE Select); coding-DNA position 755, A replaced by G.
Protein change: p.Asp252Gly; replaces aspartic acid 252 with glycine.
Molecular consequence: missense variant.
Genome position (GRCh38, 1-based): chr2:98,395,925, A>G. VCF-style: chr2-98395925-A-G. GRCh37 (hg19) VCF-style: chr2-99012388-A-G.
Other names: c.701A>G, p.Asp234Gly (NM_001079878.2); short protein forms D252G, D234G.
Identifiers: ClinVar variation 1916690 (VCV001916690.6), dbSNP rs1210775452, ClinGen allele CA347832082.

ClinVar aggregate classification (germline): Likely pathogenic. Review status: criteria provided, multiple submitters, no conflicts (2 of 4 stars). 2 submissions from 2 submitters: Likely pathogenic (2). Last evaluated 2025-09-02.

Conditions:
CNGA3-related disorders.

Allele frequency attached by ClinVar (database versions not stated): TOPMed below 0.00001; gnomAD 0.00001; gnomAD exomes 0.00001.
gnomAD v4.1: 4 of 1,614,000 alleles (0.00025%); highest among the groups gnomAD compares: African/African-American, 0.0027%; no homozygotes.

Submissions (2):

Labcorp Genetics (formerly Invitae), Labcorp
Classification: Likely pathogenic. Last evaluated: 2025-09-02. Review status: criteria provided, single submitter. Criteria: Invitae Variant Classification Sherloc (09022015). Collection method: clinical testing. Allele origin: germline.
Comment: This sequence change replaces aspartic acid, which is acidic and polar, with glycine, which is neutral and non-polar, at codon 252 of the CNGA3 protein (p.Asp252Gly). This variant is present in population databases (no rsID available, gnomAD 0.0009%). This missense change has been observed in individual(s) with cone rod dystrophy (internal data). In at least one individual the data is consistent with being in trans (on the opposite chromosome) from a pathogenic variant. ClinVar contains an entry for this variant (Variation ID: 1916690). Invitae Evidence Modeling of protein sequence and biophysical properties (such as structural, functional, and spatial information, amino acid conservation, physicochemical variation, residue mobility, and thermodynamic stability) indicates that this missense variant is expected to disrupt CNGA3 protein function with a positive predictive value of 95%. In summary, the currently available evidence indicates that the variant is pathogenic, but additional data are needed to prove that conclusively. Therefore, this variant has been classified as Likely Pathogenic.

Blueprint Genetics
Classification: Likely pathogenic for CNGA3-related disorders. Last evaluated: 2022-07-06. Review status: criteria provided, single submitter. Criteria: ACMG Guidelines, 2015. Collection method: clinical testing. Allele origin: germline. Affected: yes. Observed: 5 variant alleles.